The following is an entry in ClinVar:

NM_000187.4(HGD):c.1131C>A (p.Cys377Ter)

Gene: HGD (homogentisate 1,2-dioxygenase; minus strand). Cytogenetic location: 3q13.33.
Variant type: single nucleotide variant.
Coding change: c.1131C>A on transcript NM_000187.4 (MANE Select); coding-DNA position 1131, C replaced by A.
Protein change: p.Cys377Ter; replaces cysteine 377 with a stop codon.
Molecular consequence: nonsense.
Genome position (GRCh38, 1-based): chr3:120,633,204, G>T on the plus strand (C>A on the coding strand, the complement: HGD is on the minus strand). VCF-style: chr3-120633204-G-T. GRCh37 (hg19) VCF-style: chr3-120352051-G-T.
Other names: short protein forms C377*.
Identifiers: ClinVar variation 2754353 (VCV002754353.3), dbSNP rs2472651963, ClinGen allele CA354072774.

ClinVar aggregate classification (germline): Pathogenic (1 of 4 stars; one submission).

Conditions:
Alkaptonuria (AKU). Also called: HOMOGENTISIC ACID OXIDASE DEFICIENCY; Homogentisic acidura; Alcaptonuria; Alkaptonuric ochronosis. Identifiers: Orphanet 56, MedGen C0002066, MONDO:0008753, OMIM 203500.

Submission:

Labcorp Genetics (formerly Invitae), Labcorp
Classification: Pathogenic for Alkaptonuria. Last evaluated: 2023-08-31. Review status: criteria provided, single submitter. Criteria: Invitae Variant Classification Sherloc (09022015). Collection method: clinical testing. Allele origin: germline.
Comment: For these reasons, this variant has been classified as Pathogenic. This variant has not been reported in the literature in individuals affected with HGD-related conditions. This variant is not present in population databases (gnomAD no frequency). This sequence change creates a premature translational stop signal (p.Cys377*) in the HGD gene. It is expected to result in an absent or disrupted protein product. Loss-of-function variants in HGD are known to be pathogenic (PMID: 12501223, 19862842).

Literature cited by the submitters: PubMed 12501223; PubMed 19862842.